The following is an entry in ClinVar:

NC_000006.11:g.(?_74325018)_(74325190_?)del

Gene: SLC17A5 (solute carrier family 17 member 5; minus strand). Cytogenetic location: 6q13.
Variant type: Deletion.
Identifiers: ClinVar variation 1420974 (VCV001420974.5).

ClinVar aggregate classification (germline): Pathogenic (1 of 4 stars; one submission).

Conditions:
Salla disease (SD). Also called: Less Severe FSASD (Salla Disease); Sialuria, Finnish type; N-acetylneuraminic acid (NANA) storage disease (NSD); Infantile sialic acid storage disorder (ISSD). Identifiers: Orphanet 309334, Orphanet 834, MedGen C1096903, MONDO:0011449, OMIM 604369.

Submission:

Labcorp Genetics (formerly Invitae), Labcorp
Classification: Pathogenic for Salla disease. Last evaluated: 2023-12-11. Review status: criteria provided, single submitter. Criteria: Invitae Variant Classification Sherloc (09022015). Collection method: clinical testing. Allele origin: germline.
Comment: This variant is a gross deletion of the genomic region encompassing exon(s) 8 of the SLC17A5 gene. This deletion is out-of-frame, and is expected to create a premature termination codon and result in an absent or disrupted protein product. Loss-of-function variants in SLC17A5 are known to be pathogenic (PMID: 10581036, 10947946, 15172001). This variant has not been reported in the literature in individuals affected with SLC17A5-related conditions. For these reasons, this variant has been classified as Pathogenic.

Literature cited by the submitters: PubMed 10581036; PubMed 10947946; PubMed 15172001.